The following is an entry in ClinVar:

ClinVar aggregate classification (germline): Likely pathogenic (1 of 4 stars; one submission).

Conditions:
Hereditary angioedema type 1 (HAE1). Identifiers: Orphanet 100050, Orphanet 100051, Orphanet 91378, MedGen C2717906, MONDO:0015053, OMIM 106100.

Submission:

DNA-diagnostics Laboratory, Research Centre For Medical Genetics
Classification: Likely pathogenic for Hereditary angioedema type 1. Last evaluated: 2024-07-27. Review status: criteria provided, single submitter. Criteria: ACMG Guidelines, 2015. Collection method: research. Allele origin: germline. Inheritance: Autosomal dominant inheritance. Affected: yes. Observed: 1 heterozygote.
Comment: According to our observation the c.1280T>C variant in SERPING1 meets ACMG/ClinGen SVI guidance criteria to be classified as likely pathogenic: PP3_Mod, PP4_Mod, PM2_Sup, PP2

NM_000062.3(SERPING1):c.1280T>C (p.Leu427Pro)

Gene: SERPING1 (serpin family G member 1; plus strand). Cytogenetic location: 11q12.1.
Variant type: single nucleotide variant.
Coding change: c.1280T>C on transcript NM_000062.3 (MANE Select); coding-DNA position 1280, T replaced by C.
Protein change: p.Leu427Pro; replaces leucine 427 with proline.
Molecular consequence: missense variant.
Genome position (GRCh38, 1-based): chr11:57,614,358, T>C. VCF-style: chr11-57614358-T-C. GRCh37 (hg19) VCF-style: chr11-57381831-T-C.
Other names: c.1280T>C, p.Leu427Pro (NM_001032295.2); short protein forms L427P.
Identifiers: ClinVar variation 3256123 (VCV003256123.2).